The following is an entry in ClinVar:

ClinVar aggregate classification (germline): Likely benign. Review status: criteria provided, multiple submitters, no conflicts (2 of 4 stars). 3 submissions from 3 submitters: Likely benign (3). Last evaluated 2026-03-02.

Conditions:
Inborn genetic diseases. Identifiers: MedGen C0950123, MeSH D030342.

Allele frequency attached by ClinVar (database versions not stated): 1000 Genomes Project 30x 0.00016; 1000 Genomes Project 0.00020; ESP Exome Variant Server 0.00008; gnomAD 0.00011.
gnomAD v4.1: 42 of 1,614,146 alleles (0.0026%); highest among the groups gnomAD compares: Middle Eastern, 0.049%; no homozygotes.

Submissions (3):

Women's Health and Genetics/Laboratory Corporation of America, LabCorp
Classification: Likely benign. Last evaluated: 2026-03-02. Review status: criteria provided, single submitter. Criteria: LabCorp Variant Classification Summary - May 2015. Collection method: clinical testing. Allele origin: germline.
Comment: Variant summary: ABCC8 c.3307C>A alters a conserved nucleotide resulting in a synonymous change. Consensus agreement among computation tools predict no significant impact on normal splicing. However, these predictions have yet to be confirmed by functional studies. The variant allele was found at a frequency of 2.8e-05 in 250980 control chromosomes. The available data on variant occurrences in the general population are insufficient to allow any conclusion about variant significance. To our knowledge, no occurrence of c.3307C>A in individuals affected with ABCC8-related conditions and no experimental evidence demonstrating its impact on protein function have been reported. ClinVar contains an entry for this variant (Variation ID: 2568301). Based on the evidence outlined above, the variant was classified as likely benign.

Labcorp Genetics (formerly Invitae), Labcorp
Classification: Likely benign. Last evaluated: 2024-05-01. Review status: criteria provided, single submitter. Criteria: Invitae Variant Classification Sherloc (09022015). Collection method: clinical testing. Allele origin: germline.

Ambry Genetics
Classification: Likely benign for Inborn genetic diseases. Last evaluated: 2023-05-05. Review status: criteria provided, single submitter. Criteria: Ambry Variant Classification Scheme 2023. Collection method: clinical testing. Allele origin: germline.

NM_000352.6(ABCC8):c.3307C>A (p.Arg1103=)

Gene: ABCC8 (ATP binding cassette subfamily C member 8; minus strand). Cytogenetic location: 11p15.1.
Variant type: single nucleotide variant.
Coding change: c.3307C>A on transcript NM_000352.6 (MANE Select); coding-DNA position 3307, C replaced by A.
Protein change: p.Arg1103=; no amino-acid change (arginine 1103 retained).
Molecular consequence: synonymous variant. On other transcripts: non-coding transcript variant (1).
Genome position (GRCh38, 1-based): chr11:17,406,644, G>T on the plus strand (C>A on the coding strand, the complement: ABCC8 is on the minus strand). VCF-style: chr11-17406644-G-T. GRCh37 (hg19) VCF-style: chr11-17428191-G-T.
Other names: c.3310C>A, p.Arg1104= (NM_001287174.3); c.3373C>A, p.Arg1125= (NM_001351295.2); c.3307C>A, p.Arg1103= (NM_001351296.2); c.3304C>A, p.Arg1102= (NM_001351297.2).
Identifiers: ClinVar variation 2568301 (VCV002568301.6), dbSNP rs144348011, ClinGen allele CA5902872.